The following is an entry in ClinVar:

NM_007294.4(BRCA1):c.2218del (p.Val740fs)

Gene: BRCA1 (BRCA1 DNA repair associated; minus strand). Cytogenetic location: 17q21.31.
Variant type: Deletion.
Coding change: c.2218del on transcript NM_007294.4 (MANE Select); coding-DNA position 2218, one base deleted (G; older notation c.2218delG).
Protein change: p.Val740fs; shifts the reading frame from valine 740.
Molecular consequence: frameshift variant. On other transcripts: intron variant (137).
Genome position (GRCh38, 1-based): chr17:43,093,313, C deleted on the plus strand (G on the coding strand, the reverse complement: BRCA1 is on the minus strand). VCF-style (leftmost placement, unchanged base first): chr17-43093312-AC-A. GRCh37 (hg19) VCF-style: chr17-41245329-AC-A.
Other names: 2337delG - ter752; c.2005del, p.Val669fs (NM_001407571.1, NM_001407853.1, NM_001407894.1 and 9 more transcripts); c.2218del, p.Val740fs (NM_001407581.1, NM_001407582.1, NM_001407583.1 and 30 more transcripts); c.2215del, p.Val739fs (NM_001407587.1, NM_001407590.1, NM_001407591.1 and 22 more transcripts); c.2209del, p.Val737fs (NM_001407646.1, NM_001407647.1); c.2095del, p.Val699fs (NM_001407648.1, NM_001407664.1, NM_001407665.1 and 19 more transcripts); c.2092del, p.Val698fs (NM_001407649.1, NM_001407670.1, NM_001407671.1 and 11 more transcripts); c.2140del, p.Val714fs (NM_001407653.1, NM_001407654.1, NM_001407655.1 and 4 more transcripts); and 43 more; short protein forms V693fs, V740fs, V628fs, V652fs, V670fs, V613fs, V572fs, V651fs.
Identifiers: ClinVar variation 266241 (VCV000266241.6), dbSNP rs886040018, ClinGen allele CA10589873.
Genomic context (GRCh38, chr17:43,093,312, plus strand): 5'-GTTTGCAAAACCCTTTCTCCACTTAACATGAGATCTTTGGGGTCTTCAGCATTATTAGAC[AC>A]TTTAACTGTTTCTAGTTTCTCTTCTTTTTCTTCTCTTGGAAGGCTAGGATTGACAAATTC-3'

ClinVar aggregate classification (germline): Pathogenic. Review status: reviewed by expert panel (3 of 4 stars). 2 submissions from 2 submitters: Pathogenic (1). 1 of the submissions does not count toward it. Last evaluated 2016-10-18.

Conditions:
Breast-ovarian cancer, familial, susceptibility to, 1 (BROVCA1). Also called: BRCA1 Hereditary Breast and Ovarian Cancer; OVARIAN CANCER, SUSCEPTIBILITY TO. Identifiers: Orphanet 145, MedGen C2676676, MONDO:0011450, OMIM 604370. Disease mechanism: loss of function.

Submissions (2):

Evidence-based Network for the Interpretation of Germline Mutant Alleles (ENIGMA)
Classification: Pathogenic for Breast-ovarian cancer, familial, susceptibility to, 1. Last evaluated: 2016-10-18. Review status: reviewed by expert panel. Criteria: ENIGMA BRCA1/2 Classification Criteria (2015). Collection method: curation. Allele origin: germline.
Comment: Variant allele predicted to encode a truncated non-functional protein.

Consortium of Investigators of Modifiers of BRCA1/2 (CIMBA), c/o University of Cambridge
Classification: Pathogenic for Breast-ovarian cancer, familial, susceptibility to, 1. Last evaluated: 2015-10-02. Review status: criteria provided, single submitter. Criteria: CIMBA Mutation Classification guidelines May 2016. Collection method: clinical testing. Allele origin: germline. Not counted in ClinVar's aggregate classification.